The following is an entry in ClinVar:

NM_005334.3(HCFC1):c.422G>C (p.Ser141Thr)

Gene: HCFC1 (host cell factor C1; minus strand). Cytogenetic location: Xq28.
Variant type: single nucleotide variant.
Coding change: c.422G>C on transcript NM_005334.3 (MANE Select); coding-DNA position 422, G replaced by C.
Protein change: p.Ser141Thr; replaces serine 141 with threonine.
Molecular consequence: missense variant.
Genome position (GRCh38, 1-based): chrX:153,964,205, C>G on the plus strand (G>C on the coding strand, the complement: HCFC1 is on the minus strand). VCF-style: chrX-153964205-C-G. GRCh37 (hg19) VCF-style: chrX-153229656-C-G.
Other names: c.422G>C, p.Ser141Thr (NM_001410705.1, NM_001440843.1, NM_001440844.1 and 7 more transcripts); short protein forms S141T.
Identifiers: ClinVar variation 4745602 (VCV004745602.1).

ClinVar aggregate classification (germline): Uncertain significance (1 of 4 stars; one submission).

Conditions:
Methylmalonic acidemia with homocystinuria, type cblX (MAHCX). Also called: INTELLECTUAL DEVELOPMENTAL DISORDER, X-LINKED 3. Identifiers: Orphanet 369962, MedGen C0796208, MONDO:0010657, OMIM 309541.

Submission:

Labcorp Genetics (formerly Invitae), Labcorp
Classification: Uncertain significance for Methylmalonic acidemia with homocystinuria, type cblX. Last evaluated: 2025-05-11. Review status: criteria provided, single submitter. Criteria: Invitae Variant Classification Sherloc (09022015). Collection method: clinical testing. Allele origin: germline.
Comment: This sequence change replaces serine, which is neutral and polar, with threonine, which is neutral and polar, at codon 141 of the HCFC1 protein (p.Ser141Thr). This variant is not present in population databases (gnomAD no frequency). This variant has not been reported in the literature in individuals affected with HCFC1-related conditions. Invitae Evidence Modeling of protein sequence and biophysical properties (such as structural, functional, and spatial information, amino acid conservation, physicochemical variation, residue mobility, and thermodynamic stability) indicates that this missense variant is expected to disrupt HCFC1 protein function with a positive predictive value of 80%. In summary, the available evidence is currently insufficient to determine the role of this variant in disease. Therefore, it has been classified as a Variant of Uncertain Significance.